The following is an entry in ClinVar:

ClinVar aggregate classification (germline): Likely benign. Review status: criteria provided, multiple submitters, no conflicts (2 of 4 stars). 4 submissions from 4 submitters: Likely benign (4). Last evaluated 2025-10-20.

Conditions:
Cardiovascular phenotype. Identifiers: MedGen CN230736.
RASopathy. Also called: rasopathies; Noonan spectrum disorder. Identifiers: Orphanet 536391, MedGen C5555857, MONDO:0021060.

Allele frequency attached by ClinVar (database versions not stated): gnomAD 0.00001; TOPMed 0.00001; ExAC 0.00002; gnomAD exomes 0.00002.
gnomAD v4.1: 9 of 1,613,606 alleles (0.00056%); highest among the groups gnomAD compares: East Asian, 0.016%; no homozygotes.

Submissions (4):

Labcorp Genetics (formerly Invitae), Labcorp
Classification: Likely benign for RASopathy. Last evaluated: 2025-10-20. Review status: criteria provided, single submitter. Criteria: Invitae Variant Classification Sherloc (09022015). Collection method: clinical testing. Allele origin: germline.

Blueprint Genetics
Classification: Likely benign. Last evaluated: 2024-09-30. Review status: criteria provided, single submitter. Criteria: ACMG Guidelines, 2015. Collection method: clinical testing. Allele origin: germline.

Ambry Genetics
Classification: Likely benign for Cardiovascular phenotype. Last evaluated: 2022-11-27. Review status: criteria provided, single submitter. Criteria: Ambry Variant Classification Scheme 2023. Collection method: clinical testing. Allele origin: germline.

Women's Health and Genetics/Laboratory Corporation of America, LabCorp
Classification: Likely benign. Last evaluated: 2016-08-01. Review status: criteria provided, single submitter. Criteria: LabCorp Variant Classification Summary - May 2015. Collection method: clinical testing. Allele origin: germline.
Comment: Variant summary: The SOS1 c.1719T>C (p.Asp573Asp) variant involves the alteration of a non-conserved nucleotide, resulting in a synonymous change. One in silico tool predicts a damaging outcome for this variant. 3/5 splice prediction tools predict no significant impact on normal splicing. ESE finder predicts that this variant may affect ESE sites. However, these predictions have yet to be confirmed by functional studies. This variant was found in 3/121360 control chromosomes, predominantly observed in the East Asian subpopulation at a frequency of 0.0003467 (3/8652). This frequency is about 12 times the estimated maximal expected allele frequency of a pathogenic SOS1 variant (0.00003), suggesting this is likely a benign polymorphism found primarily in the populations of East Asian origin. The variant of interest has not, to our knowledge, been reported in affected individuals via publications and/or reputable databases/clinical diagnostic laboratories; nor evaluated for functional impact by in vivo/vitro studies. Taken together, this variant is classified as Likely benign until more evidence becomes available.

NM_005633.4(SOS1):c.1719T>C (p.Asp573=)

Gene: SOS1 (SOS Ras/Rac guanine nucleotide exchange factor 1; minus strand). Cytogenetic location: 2p22.1.
Variant type: single nucleotide variant.
Coding change: c.1719T>C on transcript NM_005633.4 (MANE Select); coding-DNA position 1719, T replaced by C.
Protein change: p.Asp573=; no amino-acid change (aspartic acid 573 retained).
Molecular consequence: synonymous variant.
Genome position (GRCh38, 1-based): chr2:39,022,709, A>G on the plus strand (T>C on the coding strand, the complement: SOS1 is on the minus strand). VCF-style: chr2-39022709-A-G. GRCh37 (hg19) VCF-style: chr2-39249850-A-G.
Other names: c.1698T>C, p.Asp566= (NM_001382394.1); c.1719T>C, p.Asp573= (NM_001382395.1).
Identifiers: ClinVar variation 496299 (VCV000496299.7), dbSNP rs746674452, ClinGen allele CA1624558.